The following is an entry in ClinVar:

NM_006904.7(PRKDC):c.3299T>A (p.Val1100Glu)

Gene: PRKDC (protein kinase, DNA-activated, catalytic subunit; minus strand). Cytogenetic location: 8q11.21.
Variant type: single nucleotide variant.
Coding change: c.3299T>A on transcript NM_006904.7 (MANE Select); coding-DNA position 3299, T replaced by A.
Protein change: p.Val1100Glu; replaces valine 1100 with glutamic acid.
Molecular consequence: missense variant.
Genome position (GRCh38, 1-based): chr8:47,900,438, A>T on the plus strand (T>A on the coding strand, the complement: PRKDC is on the minus strand). VCF-style: chr8-47900438-A-T. GRCh37 (hg19) VCF-style: chr8-48812998-A-T.
Other names: c.3299T>A, p.Val1100Glu (NM_001081640.2); short protein forms V1100E.
Identifiers: ClinVar variation 3425197 (VCV003425197.1).
Genomic context (GRCh38, chr8:47,900,438, plus strand): 5'-GACTTCTCATCTGCATGTGCTAAGGCCAGACTCTCCATGTATATCACCAAGGCTTCAAAC[A>T]CAAACTGTTCCACCAGAGACTCTTCTTCCCTGTAAAATAAAGAATAGGAAACCTCACCTA-3'
Protein context (NP_008835.5, residues 1090-1110): REEESLVEQF[Val1100Glu]FEALVIYMES

ClinVar aggregate classification (germline): Uncertain significance (1 of 4 stars; one submission).

Submission:

Ambry Genetics
Classification: Uncertain significance. Last evaluated: 2024-11-14. Review status: criteria provided, single submitter. Criteria: Ambry Variant Classification Scheme 2023. Collection method: clinical testing. Allele origin: germline.
Comment: The p.V1100E variant (also known as c.3299T>A), located in coding exon 28 of the PRKDC gene, results from a T to A substitution at nucleotide position 3299. The valine at codon 1100 is replaced by glutamic acid, an amino acid with dissimilar properties. This amino acid position is conserved. In addition, the in silico prediction for this alteration is inconclusive. Based on the available evidence, the clinical significance of this variant remains unclear.